The following is an entry in ClinVar:

NM_004614.5(TK2):c.124+136A>G

Gene: TK2 (thymidine kinase 2; minus strand). Cytogenetic location: 16q21.
Variant type: single nucleotide variant.
Coding change: c.124+136A>G on transcript NM_004614.5 (MANE Select); 136 bases into the intron after coding-DNA position 124, A replaced by G.
Molecular consequence: intron variant. On other transcripts: 5 prime UTR variant (1), non-coding transcript variant (1).
Genome position (GRCh38, 1-based): chr16:66,549,802, T>C on the plus strand (A>G on the coding strand, the complement: TK2 is on the minus strand). VCF-style: chr16-66549802-T-C. GRCh37 (hg19) VCF-style: chr16-66583705-T-C.
Other names: c.-393A>G (NM_001272050.2); c.31+451A>G (NM_001271935.1, NM_001172643.1); c.124+136A>G (NM_001172644.2, NM_001172645.2); c.-119+136A>G (NM_001271934.2).
Identifiers: ClinVar variation 676446 (VCV000676446.2), dbSNP rs3743714, ClinGen allele CA282199164.

ClinVar aggregate classification (germline): Benign. Review status: criteria provided, multiple submitters, no conflicts (2 of 4 stars). 2 submissions from 2 submitters: Benign (2). Last evaluated 2018-06-14.

Allele frequency attached by ClinVar (database versions not stated): gnomAD exomes 0.03668; gnomAD 0.11185; TOPMed 0.12611; 1000 Genomes Project 0.15915; 1000 Genomes Project 30x 0.16224.
gnomAD v4.1: 59,610 of 1,286,650 alleles (4.6%); highest among the groups gnomAD compares: African/African-American, 27%; 3,664 homozygotes.

Submissions (2):

GeneDx
Classification: Benign. Last evaluated: 2018-06-14. Review status: criteria provided, single submitter. Criteria: GeneDx Variant Classification (06012015). Collection method: clinical testing. Allele origin: germline. Affected: yes.
Comment: This variant is considered likely benign or benign based on one or more of the following criteria: it is a conservative change, it occurs at a poorly conserved position in the protein, it is predicted to be benign by multiple in silico algorithms, and/or has population frequency not consistent with disease.

Breakthrough Genomics
Classification: Benign. Review status: criteria provided, single submitter. Criteria: ACMG Guidelines, 2015. Collection method: not provided. Allele origin: germline. Inheritance: Autosomal recessive inheritance. Affected: yes.